The following is an entry in ClinVar:

NM_014974.3(DIP2C):c.4153del (p.Tyr1385fs)

Gene: DIP2C (disco interacting protein 2 homolog C; minus strand). Cytogenetic location: 10p15.3.
Variant type: Deletion.
Coding change: c.4153del on transcript NM_014974.3 (MANE Select); coding-DNA position 4153, one base deleted (T; older notation c.4153delT).
Protein change: p.Tyr1385fs; shifts the reading frame from tyrosine 1385.
Molecular consequence: frameshift variant.
Genome position (GRCh38, 1-based): chr10:283,413, A deleted on the plus strand (T on the coding strand, the reverse complement: DIP2C is on the minus strand); the first of 2 consecutive A bases (chr10:283,413-283,414); deleting either gives the same sequence. VCF-style (leftmost placement, unchanged base first): chr10-283412-TA-T. GRCh37 (hg19) VCF-style: chr10-329352-TA-T.
Other names: short protein forms Y1385fs.
Identifiers: ClinVar variation 4240676 (VCV004240676.1).
Genomic context (GRCh38, chr10:283,412, plus strand): 5'-AAACTTAGTCTTGAGTTGAAGTGATCTGACTGGAGGGATTCGTCTCCGTAAATAGTGAAA[TA>T]ACCGCTGGCATTGTGGGCACTGTGAACCCAAATCTGCAAACGGAGGGAAATGTCACTGTG-3'

ClinVar aggregate classification (germline): Pathogenic (1 of 4 stars; one submission).

Conditions:
Inborn genetic diseases. Identifiers: MedGen C0950123, MeSH D030342.

Submission:

Ambry Genetics
Classification: Pathogenic for Inborn genetic diseases. Last evaluated: 2025-09-10. Review status: criteria provided, single submitter. Criteria: Ambry Variant Classification Scheme 2023. Collection method: clinical testing. Allele origin: germline.
Comment: The c.4153delT (p.Y1385Ifs*19) alteration, located in exon 35 (coding exon 35) of the DIP2C gene, consists of a deletion of one nucleotide at position 4153, causing a translational frameshift with a predicted alternate stop codon after 19 amino acids. This alteration is expected to result in loss of function by premature protein truncation or nonsense-mediated mRNA decay. This variant was not reported in population-based cohorts in the Genome Aggregation Database (gnomAD). Based on the available evidence, this alteration is classified as pathogenic.